The following is an entry in ClinVar:

NM_001127221.2(CACNA1A):c.5604del (p.Lys1868fs)

Gene: CACNA1A (calcium voltage-gated channel subunit alpha1 A; minus strand). Cytogenetic location: 19p13.13.
Variant type: Deletion.
Coding change: c.5604del on transcript NM_001127221.2 (MANE Plus Clinical); coding-DNA position 5604, one base deleted (A; older notation c.5604delA).
Protein change: p.Lys1868fs; shifts the reading frame from lysine 1868.
Molecular consequence: frameshift variant. On other transcripts: intron variant (4).
Genome position (GRCh38, 1-based): chr19:13,228,723, T deleted on the plus strand (A on the coding strand, the reverse complement: CACNA1A is on the minus strand); the first of 3 consecutive T bases (chr19:13,228,723-13,228,725); deleting any one gives the same sequence. VCF-style (leftmost placement, unchanged base first): chr19-13228722-AT-A. GRCh37 (hg19) VCF-style: chr19-13339536-AT-A.
Other names: c.5529-1196del (NM_001127222.2); c.5538-1196del (NM_001174080.2); c.5547-1196del (NM_000068.4, NM_023035.3); c.5604delA (NM_001127221.1); short protein forms K1868fs.
Identifiers: ClinVar variation 4868045 (VCV004868045.1).
Genomic context (GRCh38, chr19:13,228,722, plus strand): 5'-TTCCATGGATGCTAGCAGGTTTTAGTGGAAGTCAAACCTTGCAAGCAACCCTATGAGGAC[AT>A]TTCTTGCCTAAGCCGAGAGGGGGAGATATTACTCGTAATAAACTGTACATATCCTTATAA-3'

ClinVar aggregate classification (germline): Pathogenic (1 of 4 stars; one submission).

Conditions:
Inborn genetic diseases. Identifiers: MedGen C0950123, MeSH D030342.

Submission:

Ambry Genetics
Classification: Pathogenic for Inborn genetic diseases. Last evaluated: 2026-04-01. Review status: criteria provided, single submitter. Criteria: Ambry Variant Classification Scheme 2023. Collection method: clinical testing. Allele origin: germline.
Comment: The c.5604delA (p.K1868Nfs*33) alteration, located in exon 37 (coding exon 37) of the CACNA1A gene, consists of a deletion of one nucleotide at position 5604, causing a translational frameshift with a predicted alternate stop codon after 33 amino acids. This variant is expected to result in loss of function by premature protein truncation or nonsense-mediated mRNA decay. for CACNA1A-related neurologic disorder; however, it is unlikely to be causative of CACNA1A-related spinocerebellar ataxia. This variant was not reported in population-based cohorts in the Genome Aggregation Database (gnomAD). Based on the available evidence, this alteration is classified as pathogenic.